The following is an entry in ClinVar:

NM_000342.3(SLC4A1):c.2608C>T (p.Arg870Trp)

Gene: SLC4A1 (solute carrier family 4 member 1 (Diego blood group); minus strand). Cytogenetic location: 17q21.31.
Variant type: single nucleotide variant.
Coding change: c.2608C>T on transcript NM_000342.3; coding-DNA position 2608, C replaced by T.
Protein change: p.Arg870Trp; replaces arginine 870 with tryptophan.
Molecular consequence: missense variant (on NM_000342.4).
Genome position (GRCh38, 1-based): chr17:44,251,206, G>A on the plus strand (C>T on the coding strand, the complement: SLC4A1 is on the minus strand). VCF-style: chr17-44251206-G-A. GRCh37 (hg19) VCF-style: chr17-42328574-G-A.
Other names: c.2608C>T, p.Arg870Trp (NM_000342.4); short protein forms R870W.
Identifiers: ClinVar variation 17776 (VCV000017776.63), dbSNP rs28931585, ClinGen allele CA127403.

ClinVar aggregate classification (germline): Pathogenic/Likely pathogenic. Review status: criteria provided, multiple submitters, no conflicts (2 of 4 stars). 7 submissions from 7 submitters: Pathogenic (2); Likely pathogenic (4). 1 of the submissions does not count toward it. Last evaluated 2025-09-28.

Conditions:
SLC4A1-related disorder. Also called: SLC4A1-related disorders; SLC4A1-related condition.
Hereditary spherocytosis type 4. Also called: SLC4A1-Related Spherocytosis. Identifiers: Orphanet 822, MedGen C2675212, MONDO:0012981, OMIM 612653.

gnomAD v4.1: 2 of 1,613,402 alleles (0.00012%); highest among the groups gnomAD compares: Non-Finnish European, 0.000085%; no homozygotes.

Submissions (7):

Labcorp Genetics (formerly Invitae), Labcorp
Classification: Pathogenic. Last evaluated: 2025-09-28. Review status: criteria provided, single submitter. Criteria: Invitae Variant Classification Sherloc (09022015). Collection method: clinical testing. Allele origin: germline.
Comment: This sequence change replaces arginine, which is basic and polar, with tryptophan, which is neutral and slightly polar, at codon 870 of the SLC4A1 protein (p.Arg870Trp). This variant is not present in population databases (gnomAD no frequency). This missense change has been observed in individuals with autosomal dominant hereditary spherocytosis (PMID: 7530501, 23255290). This variant is also known as Prague III. ClinVar contains an entry for this variant (Variation ID: 17776). Invitae Evidence Modeling of protein sequence and biophysical properties (such as structural, functional, and spatial information, amino acid conservation, physicochemical variation, residue mobility, and thermodynamic stability) indicates that this missense variant is expected to disrupt SLC4A1 protein function with a positive predictive value of 80%. For these reasons, this variant has been classified as Pathogenic.

ARUP Laboratories, Molecular Genetics and Genomics, ARUP Laboratories
Classification: Likely pathogenic. Last evaluated: 2024-05-20. Review status: criteria provided, single submitter. Criteria: ARUP Molecular Germline Variant Investigation Process 2024. Collection method: clinical testing. Allele origin: germline.
Comment: The SLC4A1 c.2608C>T; p.Arg870Trp variant (rs28931585), also known as band 3 Prague III, has been reported in individuals with spherocytosis (Andolfo 2021, Bracher 2001, Jarolim 1995). In vitro functional analyses demonstrate that the mutant protein is unable to incorporate into cell membranes (Quilty 2000). This variant is also reported in ClinVar (Variation ID: 17776). This variant is absent from the Genome Aggregation Database, indicating it is not a common polymorphism. The arginine at codon 870 is highly conserved and computational analyses predict that this variant is deleterious (REVEL: 0.907). Based on available information, this variant is considered to be likely pathogenic. References: Andolfo I et al. Complex Modes of Inheritance in Hereditary Red Blood Cell Disorders: A Case Series Study of 155 Patients. Genes (Basel). 2021 Jun 23. PMID: 34201899. Bracher NA et al. Band 3 Cape Town (E90K) causes severe hereditary spherocytosis in combination with band 3 Prague III. Br J Haematol. 2001 Jun. PMID: 11380459.Jarolim P et al. Mutations of conserved arginines in the membrane domain of erythroid band 3 lead to a decrease in membrane-associated band 3 and to the phenotype of hereditary spherocytosis. Blood. 1995 Feb 1. PMID: 7530501. Quilty JA, and RA Reithmeier. Trafficking and folding defects in hereditary spherocytosis mutants of the human red cell anion exchanger. Traffic. 2000 Dec. PMID: 11208088.

Revvity Omics, Revvity
Classification: Likely pathogenic. Last evaluated: 2023-07-24. Review status: criteria provided, single submitter. Criteria: ACMG Guidelines, 2015. Collection method: clinical testing. Allele origin: germline.

Mayo Clinic Laboratories, Mayo Clinic
Classification: Likely pathogenic. Last evaluated: 2021-01-15. Review status: criteria provided, single submitter. Criteria: ACMG Guidelines, 2015. Collection method: clinical testing. Allele origin: germline. Observed: 1 variant allele.
Comment: PS3, PM2, PP3, PP5

Blueprint Genetics
Classification: Pathogenic for SLC4A1-related disorders. Last evaluated: 2020-09-15. Review status: criteria provided, single submitter. Criteria: ACMG Guidelines, 2015. Collection method: clinical testing. Allele origin: germline. Affected: yes. Observed: 4 variant alleles.

CeGaT Center for Human Genetics Tuebingen
Classification: Likely pathogenic. Last evaluated: 2019-08-01. Review status: criteria provided, single submitter. Criteria: CeGaT Center For Human Genetics Tuebingen Variant Classification Criteria Version 2. Collection method: clinical testing. Allele origin: germline. Affected: yes. Observed: 1 variant allele.

OMIM
Classification: Pathogenic for SPHEROCYTOSIS, TYPE 4, DUE TO BAND 3 PRAGUE III. Last evaluated: 2001-06-01. Review status: no assertion criteria provided. Collection method: literature only. Allele origin: germline. Not counted in ClinVar's aggregate classification.

Literature cited by the submitters: PubMed 7530501 (cited by 3 submitters); PubMed 23255290 (cited by Labcorp Genetics (formerly Invitae), Labcorp); PubMed 11380459 (cited by Mayo Clinic Laboratories, Mayo Clinic and OMIM); PubMed 11208088 (cited by Mayo Clinic Laboratories, Mayo Clinic); PubMed 27058983 (cited by Mayo Clinic Laboratories, Mayo Clinic).